The following is an entry in ClinVar:

NM_000439.5(PCSK1):c.2006G>A (p.Arg669Gln)

Genes: CAST (calpastatin; plus strand), PCSK1 (proprotein convertase subtilisin/kexin type 1; minus strand), LOC101929710 (uncharacterized LOC101929710; plus strand). Cytogenetic location: 5q15.
Variant type: single nucleotide variant.
Coding change: c.2006G>A on transcript NM_000439.5 (MANE Select); coding-DNA position 2006, G replaced by A.
Protein change: p.Arg669Gln; replaces arginine 669 with glutamine.
Molecular consequence: missense variant. On other transcripts: intron variant (11).
Genome position (GRCh38, 1-based): chr5:96,393,257, C>T on the plus strand (G>A on the coding strand, the complement: PCSK1 is on the minus strand). VCF-style: chr5-96393257-C-T. GRCh37 (hg19) VCF-style: chr5-95728961-C-T.
Other names: c.1865G>A, p.Arg622Gln (NM_001177875.2); c.-175+13605C>T (NM_001423254.1, NM_001423259.1, NM_001423255.1 and 6 more transcripts); c.-103+13605C>T (NM_001423253.1); c.-40+13605C>T (NM_001423258.1); short protein forms R622Q, R669Q.
Identifiers: ClinVar variation 3351702 (VCV003351702.1).
Genomic context (GRCh38, chr5:96,393,257, plus strand): 5'-GGGGACTTCTTTGGTGATTGCTTTGGCGGTGAGTTTTTACTGAAAGCACTTTGCAGGAGT[C>T]GCAGCATGGCCTGGGAAGGGGCTCCCTCCTCCAACTCATCCCTCCGGCCCCCTACGCTGC-3'
Protein context (NP_000430.3, residues 659-679): EEGAPSQAML[Arg669Gln]LLQSAFSKNS

ClinVar aggregate classification (germline): Uncertain significance (0 of 4 stars; one submission).

Conditions:
PCSK1-related disorder. Also called: PCSK1-related condition.

gnomAD v4.1: 28 of 1,613,934 alleles (0.0017%); highest among the groups gnomAD compares: East Asian, 0.027%; no homozygotes.

Submission:

PreventionGenetics, part of Exact Sciences
Classification: Uncertain significance for PCSK1-related condition. Last evaluated: 2024-07-30. Review status: no assertion criteria provided. Collection method: clinical testing. Allele origin: germline.
Comment: The PCSK1 c.2006G>A variant is predicted to result in the amino acid substitution p.Arg669Gln. This variant was observed in a cohort of obese individuals, and in vitro functional studies show inconclusive evidence of loss of function (Table 3 and Supplemental Data Set, Shah et al. 2023. PubMed ID: 36864747). This variant is reported in 0.022% of alleles in individuals of East Asian descent in gnomAD. At this time, the clinical significance of this variant is uncertain due to the absence of conclusive functional and genetic evidence.